The following is an entry in ClinVar:

NM_001128840.3(CACNA1D):c.2TGA[9] (p.Met7_Lys8insMetMet)

Gene: CACNA1D (calcium voltage-gated channel subunit alpha1 D; plus strand). Cytogenetic location: 3p21.1.
Variant type: Microsatellite.
Coding change: c.2TGA[9] on transcript NM_001128840.3 (MANE Select); nine copies in a row of the 3-base unit TGA starting at c.2; the reference has seven copies in a row; two copies, 6 bases duplicated.
Protein change: p.Met7_Lys8insMetMet.
Molecular consequence: inframe insertion, initiator codon variant.
Genome position (GRCh38, 1-based): chr3:53,495,183-53,495,188, TGATGA duplicated; duplicating any 6 consecutive bases within chr3:53,495,166-53,495,188 gives the same sequence; the position shown is the placement nearest the transcript's 3' end. VCF-style (leftmost placement, unchanged base first): chr3-53495165-G-GGATGAT. GRCh37 (hg19) VCF-style: chr3-53529192-G-GGATGAT.
Other names: c.2TGA[9], p.Met7_Lys8insMetMet (NM_000720.4, NM_001128839.3).
Identifiers: ClinVar variation 2232940 (VCV002232940.4), dbSNP rs751190058, ClinGen allele CA1048054133.
Genomic context (GRCh38, chr3:53,495,165, plus strand): 5'-CCCCCGCCTCAACGCCCAGCACAGTGCCCTGCACACAGTAGTCGCTCAATAAATGTTCGT[G>GGATGAT]GATGATGATGATGATGATGATGAAAAAAATGCAGCATCAACGGCAGCAGCAAGCGGACCA-3'

ClinVar aggregate classification (germline): Uncertain significance. Review status: criteria provided, multiple submitters, no conflicts (2 of 4 stars). 2 submissions from 2 submitters: Uncertain significance (2). Last evaluated 2021-07-29.

Conditions:
Inborn genetic diseases. Identifiers: MedGen C0950123, MeSH D030342.

Submissions (2):

Ambry Genetics
Classification: Uncertain significance for Inborn genetic diseases. Last evaluated: 2021-07-29. Review status: criteria provided, single submitter. Criteria: Ambry Variant Classification Scheme 2023. Collection method: clinical testing. Allele origin: germline.
Comment: The c.17_22dupTGATGA (p.M6_M7dup) alteration is located in exon 1 (coding exon 1) of the CACNA1D gene. The alteration consists of an in-frame duplication of 6 nucleotides from position 17 to 22, resulting in the duplication of 2 residues. Based on insufficient or conflicting evidence, the clinical significance of this alteration remains unclear.

Blueprint Genetics
Classification: Uncertain significance. Last evaluated: 2021-07-14. Review status: criteria provided, single submitter. Criteria: ACMG Guidelines, 2015. Collection method: clinical testing. Allele origin: germline.